The following is an entry in ClinVar:

ClinVar aggregate classification (germline): Uncertain significance (1 of 4 stars; one submission).

Submission:

Ambry Genetics
Classification: Uncertain significance. Last evaluated: 2023-10-15. Review status: criteria provided, single submitter. Criteria: Ambry Variant Classification Scheme 2023. Collection method: clinical testing. Allele origin: germline.
Comment: The p.T1123K variant (also known as c.3368C>A), located in coding exon 29 of the PRKDC gene, results from a C to A substitution at nucleotide position 3368. The threonine at codon 1123 is replaced by lysine, an amino acid with similar properties. This amino acid position is conserved. In addition, this alteration is predicted to be deleterious by in silico analysis. Since supporting evidence is limited at this time, the clinical significance of this alteration remains unclear.

NM_006904.7(PRKDC):c.3368C>A (p.Thr1123Lys)

Gene: PRKDC (protein kinase, DNA-activated, catalytic subunit; minus strand). Cytogenetic location: 8q11.21.
Variant type: single nucleotide variant.
Coding change: c.3368C>A on transcript NM_006904.7 (MANE Select); coding-DNA position 3368, C replaced by A.
Protein change: p.Thr1123Lys; replaces threonine 1123 with lysine.
Molecular consequence: missense variant.
Genome position (GRCh38, 1-based): chr8:47,898,566, G>T on the plus strand (C>A on the coding strand, the complement: PRKDC is on the minus strand). VCF-style: chr8-47898566-G-T. GRCh37 (hg19) VCF-style: chr8-48811126-G-T.
Other names: c.3368C>A, p.Thr1123Lys (NM_001081640.2); short protein forms T1123K.
Identifiers: ClinVar variation 3225832 (VCV003225832.1), dbSNP rs1563792638, ClinGen allele CA371154932.